The following is an entry in ClinVar:

ClinVar aggregate classification (germline): Pathogenic (1 of 4 stars; one submission).

Submission:

Labcorp Genetics (formerly Invitae), Labcorp
Classification: Pathogenic. Last evaluated: 2023-09-12. Review status: criteria provided, single submitter. Criteria: Invitae Variant Classification Sherloc (09022015). Collection method: clinical testing. Allele origin: germline.
Comment: This sequence change creates a premature translational stop signal (p.Met412Ilefs*19) in the SLC34A1 gene. It is expected to result in an absent or disrupted protein product. Loss-of-function variants in SLC34A1 are known to be pathogenic (PMID: 26047794). This variant is not present in population databases (gnomAD no frequency). This variant has not been reported in the literature in individuals affected with SLC34A1-related conditions. For these reasons, this variant has been classified as Pathogenic.

Literature cited by the submitters: PubMed 26047794.

NM_003052.5(SLC34A1):c.1236_1248del (p.Met412fs)

Gene: SLC34A1 (solute carrier family 34 member 1; plus strand). Cytogenetic location: 5q35.3.
Variant type: Deletion.
Coding change: c.1236_1248del on transcript NM_003052.5 (MANE Select); coding-DNA positions 1236 to 1248, 13 bases deleted (GACCTTCGTGGTC).
Protein change: p.Met412fs; shifts the reading frame from methionine 412.
Molecular consequence: frameshift variant.
Genome position (GRCh38, 1-based): chr5:177,396,794-177,396,806, GACCTTCGTGGTC deleted. VCF-style (leftmost placement, unchanged base first): chr5-177396793-TGACCTTCGTGGTC-T. GRCh37 (hg19) VCF-style: chr5-176823794-TGACCTTCGTGGTC-T.
Other names: short protein forms M412fs.
Identifiers: ClinVar variation 2760463 (VCV002760463.3), dbSNP rs2481026779, ClinGen allele CA2697546586.